The following is an entry in ClinVar:

ClinVar aggregate classification (germline): Uncertain significance (1 of 4 stars; one submission).

Conditions:
Hereditary breast ovarian cancer syndrome. Also called: Hereditary breast and ovarian cancer syndrome (HBOC); Hereditary breast and ovarian cancer syndrome; Hereditary breast and ovarian cancer; Breast and ovarian cancer; BRCA1- and BRCA2-Associated Hereditary Breast and Ovarian Cancer; Hereditary breast and/or ovarian cancer syndrome. Identifiers: Orphanet 145, MedGen C0677776, MeSH D061325, MONDO:0003582. Disease mechanism: loss of function.

Submission:

Labcorp Genetics (formerly Invitae), Labcorp
Classification: Uncertain significance for Hereditary breast ovarian cancer syndrome. Last evaluated: 2022-06-24. Review status: criteria provided, single submitter. Criteria: Invitae Variant Classification Sherloc (09022015). Collection method: clinical testing. Allele origin: germline.
Comment: This sequence change replaces alanine, which is neutral and non-polar, with proline, which is neutral and non-polar, at codon 3148 of the BRCA2 protein (p.Ala3148Pro). This variant is not present in population databases (gnomAD no frequency). This variant has not been reported in the literature in individuals affected with BRCA2-related conditions. Advanced modeling of protein sequence and biophysical properties (such as structural, functional, and spatial information, amino acid conservation, physicochemical variation, residue mobility, and thermodynamic stability) performed at Invitae indicates that this missense variant is not expected to disrupt BRCA2 protein function. In summary, the available evidence is currently insufficient to determine the role of this variant in disease. Therefore, it has been classified as a Variant of Uncertain Significance.

NM_000059.4(BRCA2):c.9442G>C (p.Ala3148Pro)

Gene: BRCA2 (BRCA2 DNA repair associated; plus strand). Cytogenetic location: 13q13.1.
Variant type: single nucleotide variant.
Coding change: c.9442G>C on transcript NM_000059.4 (MANE Select); coding-DNA position 9442, G replaced by C.
Protein change: p.Ala3148Pro; replaces alanine 3148 with proline.
Molecular consequence: missense variant.
Genome position (GRCh38, 1-based): chr13:32,394,874, G>C. VCF-style: chr13-32394874-G-C. GRCh37 (hg19) VCF-style: chr13-32969011-G-C.
Other names: c.9391G>C, p.Ala3131Pro (NM_001406720.1); c.4510G>C, p.Ala1504Pro (NM_001406721.1); c.9346G>C, p.Ala3116Pro (NM_001406719.1); c.3025G>C, p.Ala1009Pro (NM_001406722.1); short protein forms A3131P, A1009P, A3148P, A1504P, A3116P.
Identifiers: ClinVar variation 2010417 (VCV002010417.4), dbSNP rs949790323, ClinGen allele CA387761592.